The following is an entry in ClinVar:

NM_019616.4(F7):c.1080dup (p.Ile361fs)

Gene: F7 (coagulation factor VII; plus strand). Cytogenetic location: 13q34.
Variant type: Duplication.
Coding change: c.1080dup on transcript NM_019616.4 (MANE Select); coding-DNA position 1080, one base duplicated (T; older notation c.1080dupT).
Protein change: p.Ile361fs; shifts the reading frame from isoleucine 361.
Molecular consequence: frameshift variant. On other transcripts: non-coding transcript variant (1).
Genome position (GRCh38, 1-based): chr13:113,118,753, T duplicated. VCF-style (leftmost placement, unchanged base first): chr13-113118752-A-AT. GRCh37 (hg19) VCF-style: chr13-113773066-A-AT.
Other names: p.Ile383Tyrfs*143; c.1146dup, p.Ile383fs (NM_000131.5); c.894dup, p.Ile299fs (NM_001267554.2); short protein forms I299fs, I383fs, I361fs.
Identifiers: ClinVar variation 4541810 (VCV004541810.1).

ClinVar aggregate classification (germline): Likely pathogenic (1 of 4 stars; one submission).

Submission:

Mayo Clinic Laboratories, Mayo Clinic
Classification: Likely pathogenic. Last evaluated: 2025-08-27. Review status: criteria provided, single submitter. Criteria: ACMG Guidelines, 2015. Collection method: clinical testing. Allele origin: germline. Observed: 1 variant allele.
Comment: PP4, PM2_supporting, PVS1_strong